The following is an entry in ClinVar:

NM_000142.5(FGFR3):c.1349C>T (p.Thr450Met)

Gene: FGFR3 (fibroblast growth factor receptor 3; plus strand). Cytogenetic location: 4p16.3.
Variant type: single nucleotide variant.
Coding change: c.1349C>T on transcript NM_000142.5 (MANE Select); coding-DNA position 1349, C replaced by T.
Protein change: p.Thr450Met; replaces threonine 450 with methionine.
Molecular consequence: missense variant. On other transcripts: non-coding transcript variant (1).
Genome position (GRCh38, 1-based): chr4:1,804,906, C>T. VCF-style: chr4-1804906-C-T. GRCh37 (hg19) VCF-style: chr4-1806633-C-T.
Other names: c.1355C>T, p.Thr452Met (NM_001163213.2); c.1352C>T, p.Thr451Met (NM_001354809.2, NM_001354810.2); c.1013C>T, p.Thr338Met (NM_022965.4); short protein forms T450M, T452M, T451M, T338M.
Identifiers: ClinVar variation 134410 (VCV000134410.91), dbSNP rs56240927, ClinGen allele CA159728.
Genomic context (GRCh38, chr4:1,804,906, plus strand): 5'-CCATGAGCTCCAACACACCACTGGTGCGCATCGCAAGGCTGTCCTCAGGGGAGGGCCCCA[C>T]GCTGGCCAATGTCTCCGAGCTCGAGCTGCCTGCCGACCCCAAATGGGAGCTGTCTCGGGC-3'
Protein context (NP_000133.1, residues 440-460): IARLSSGEGP[Thr450Met]LANVSELELP

ClinVar aggregate classification (germline): Benign/Likely benign. Review status: criteria provided, multiple submitters, no conflicts (2 of 4 stars). 13 submissions from 13 submitters: Benign (7); Likely benign (2). 4 of the submissions do not count toward it. Last evaluated 2026-06-23.

Conditions:
FGFR3-related chondrodysplasia. Identifiers: Orphanet 93420, MedGen C5681604, MONDO:0019685.

Allele frequency attached by ClinVar (database versions not stated): gnomAD exomes 0.00070 and 0.00129; ESP Exome Variant Server 0.00074; gnomAD 0.00083 and 0.00099; ExAC 0.00084; 1000 Genomes Project 0.00300; TOPMed 0.00130; 1000 Genomes Project 30x 0.00281.
gnomAD v4.1: 1,130 of 1,549,932 alleles (0.073%); highest among the groups gnomAD compares: East Asian, 2.1%; 9 homozygotes.

Submissions (13):

Genomenon, Inc
Classification: Benign for FGFR3-related chondrodysplasia. Last evaluated: 2026-06-23. Review status: criteria provided, single submitter. Criteria: Genomenon Sequence Variant Interpretation Standards - Updated. Collection method: curation. Allele origin: germline. Affected: no.
Comment: FGFR3 p.Thr450Met (c.1349C>T) is a missense variant that changes the amino acid at codon 450 from Threonine to Methionine. In silico models predict that this variant is not damaging. This variant is present at high allele frequency in population databases. We classify FGFR3 p.Thr450Met (c.1349C>T) as a benign variant.

Labcorp Genetics (formerly Invitae), Labcorp
Classification: Benign. Last evaluated: 2026-01-30. Review status: criteria provided, single submitter. Criteria: Invitae Variant Classification Sherloc (09022015). Collection method: clinical testing. Allele origin: germline.

Blueprint Genetics
Classification: Likely benign. Last evaluated: 2024-11-26. Review status: criteria provided, single submitter. Criteria: ACMG Guidelines, 2015. Collection method: clinical testing. Allele origin: germline.

CeGaT Center for Human Genetics Tuebingen
Classification: Likely benign. Last evaluated: 2022-12-01. Review status: criteria provided, single submitter. Criteria: CeGaT Center For Human Genetics Tuebingen Variant Classification Criteria Version 2. Collection method: clinical testing. Allele origin: germline. Affected: yes. Observed: 1 variant allele.
Comment: FGFR3: BP4, BS1

Athena Diagnostics
Classification: Benign. Last evaluated: 2019-03-08. Review status: criteria provided, single submitter. Criteria: Athena Diagnostics Criteria. Collection method: clinical testing. Allele origin: germline.

GeneDx
Classification: Benign. Last evaluated: 2018-08-03. Review status: criteria provided, single submitter. Criteria: GeneDx Variant Classification Process June 2021. Collection method: clinical testing. Allele origin: germline. Affected: yes.

ARUP Laboratories, Molecular Genetics and Genomics, ARUP Laboratories
Classification: Benign. Last evaluated: 2017-06-01. Review status: criteria provided, single submitter. Criteria: ARUP Molecular Germline Variant Investigation Process. Collection method: clinical testing. Allele origin: germline.

Eurofins Ntd Llc (ga)
Classification: Benign. Last evaluated: 2015-04-09. Review status: criteria provided, single submitter. Criteria: EGL Classification Definitions 2015. Collection method: clinical testing. Allele origin: germline. Observed: 1 variant allele, 1 heterozygote.

Breakthrough Genomics
Classification: Benign. Review status: criteria provided, single submitter. Criteria: ACMG Guidelines, 2015. Collection method: not provided. Allele origin: germline. Inheritance: Autosomal dominant inheritance. Affected: yes.

ITMI
No classification provided. Condition: AllHighlyPenetrant. Last evaluated: 2013-09-19. Review status: no classification provided. Collection method: reference population. Allele origin: germline. Not counted in ClinVar's aggregate classification.
Comment: Please see associated publication for description of ethnicities

Genome Diagnostics Laboratory, Amsterdam University Medical Center
Classification: Benign. Review status: no assertion criteria provided. Collection method: clinical testing. Allele origin: germline. Affected: yes. Study: VKGL Data-share Consensus. Not counted in ClinVar's aggregate classification.

Joint Genome Diagnostic Labs from Nijmegen and Maastricht, Radboudumc and MUMC+
Classification: Likely benign. Review status: no assertion criteria provided. Collection method: clinical testing. Allele origin: germline. Affected: yes. Study: VKGL Data-share Consensus. Not counted in ClinVar's aggregate classification.

Laboratory of Diagnostic Genome Analysis, Leiden University Medical Center (LUMC)
Classification: Likely benign. Review status: no assertion criteria provided. Collection method: clinical testing. Allele origin: germline. Affected: yes. Study: VKGL Data-share Consensus. Not counted in ClinVar's aggregate classification.

Literature cited by the submitters: PubMed 24728327 (cited by Athena Diagnostics and ITMI).